The following is an entry in ClinVar:

ClinVar aggregate classification (germline): Likely pathogenic (1 of 4 stars; one submission).

Conditions:
Polycystic kidney disease, adult type (PKD1). Also called: Polycystic Kidney, Autosomal Dominant; POLYCYSTIC KIDNEY DISEASE, ADULT, TYPE I; Polycystic Kidney Disease 1, Autosomal Dominant; Polycystic kidney disease 1; Polycystic kidney disease 1, severe; POLYCYSTIC KIDNEY DISEASE 1 WITH OR WITHOUT POLYCYSTIC LIVER DISEASE. Identifiers: MedGen C3149841, MONDO:0008263, OMIM 173900.

Submission:

Women's Health and Genetics/Laboratory Corporation of America, LabCorp
Classification: Likely pathogenic for Polycystic kidney disease, adult type. Last evaluated: 2025-07-15. Review status: criteria provided, single submitter. Criteria: LabCorp Variant Classification Summary - May 2015. Collection method: clinical testing. Allele origin: germline.
Comment: Variant summary: PKD1 c.8017-1G>A is located in a canonical splice-site and is predicted to affect mRNA splicing resulting in a significantly altered protein due to either exon skipping, shortening, or inclusion of intronic material. Variants that disrupt the consensus splice site are a relatively common cause of aberrant splicing and loss of PKD1 function. Several computational tools predict a significant impact on normal splicing: Four predict the variant abolishes a canonical 3' acceptor site. However, these predictions have yet to be confirmed by functional studies. The variant was absent in 128404 control chromosomes. To our knowledge, no occurrence of c.8017-1G>A in individuals affected with Polycystic Kidney Disease 1 and no experimental evidence demonstrating its impact on protein function have been reported. No submitters have cited clinical-significance assessments for this variant to ClinVar. Based on the evidence outlined above, the variant was classified as likely pathogenic.

NM_001009944.3(PKD1):c.8017-1G>A

Gene: PKD1 (polycystin 1, transient receptor potential channel interacting; minus strand). Cytogenetic location: 16p13.3.
Variant type: single nucleotide variant.
Coding change: c.8017-1G>A on transcript NM_001009944.3 (MANE Select); the canonical splice acceptor site of the intron before coding-DNA position 8017, G replaced by A.
Molecular consequence: splice acceptor variant.
Genome position (GRCh38, 1-based): chr16:2,104,643, C>T on the plus strand (G>A on the coding strand, the complement: PKD1 is on the minus strand). VCF-style: chr16-2104643-C-T. GRCh37 (hg19) VCF-style: chr16-2154644-C-T.
Other names: c.8017-1G>A (NM_000296.4).
Identifiers: ClinVar variation 4525887 (VCV004525887.1).